The following is an entry in ClinVar:

ClinVar aggregate classification (germline): Pathogenic/Likely pathogenic. Review status: criteria provided, multiple submitters, no conflicts (2 of 4 stars). 8 submissions from 8 submitters: Pathogenic (6); Likely pathogenic (2). Last evaluated 2026-05-29.

Conditions:
Hereditary cancer-predisposing syndrome. Also called: Neoplastic Syndromes, Hereditary; Hereditary Cancer Syndrome; Tumor predisposition; Hereditary neoplastic syndrome. Identifiers: Orphanet 140162, MedGen C0027672, MeSH D009386, MONDO:0015356.
Cardiovascular phenotype. Identifiers: MedGen CN230736.
NF1-related disorder. Also called: NF1-related condition. Identifiers: MedGen CN379171.
Neurofibromatosis, type 1 (NF1). Also called: Peripheral type neurofibromatosis; Neurofibromatosis, type I; VON RECKLINGHAUSEN DISEASE; NEUROFIBROMATOSIS, TYPE I, SOMATIC. Identifiers: Orphanet 636, MedGen C0027831, MONDO:0018975, OMIM 162200. Disease mechanism: loss of function.

Submissions (8):

Ambry Genetics
Classification: Pathogenic for Cardiovascular phenotype; Hereditary cancer-predisposing syndrome. Last evaluated: 2026-05-29. Review status: criteria provided, single submitter. Criteria: Ambry Variant Classification Scheme 2023. Collection method: clinical testing. Allele origin: germline.
Comment: The c.2326-3T>G intronic variant results from a T to G substitution 3 nucleotides upstream from coding exon 20 in the NF1 gene. This variant has been observed in multiple individuals with a personal and/or family history that is consistent with Neurofibromatosis type 1 (Tsipi M et al, J Neurol Sci 2018 Dec;395:95-105; Wimmer K et al, Hum Mutat 2020 Jun;41(6):1145-1156; Paterra R et al. Cancers (Basel), 2022 Dec;15; Ambry internal data). This nucleotide position is well conserved in available vertebrate species. In silico splice site analysis predicts that this alteration will weaken the native splice acceptor site. RNA studies have demonstrated that this variant results in abnormal splicing in the set of samples tested (Ambry internal data). This variant is considered to be rare based on population cohorts in the Genome Aggregation Database (gnomAD). Based on the supporting evidence, this variant is interpreted as a disease-causing mutation.

3billion
Classification: Likely pathogenic for Neurofibromatosis, type 1. Last evaluated: 2025-09-22. Review status: criteria provided, single submitter. Criteria: ACMG Guidelines, 2015. Collection method: clinical testing. Allele origin: germline. Affected: yes.
Comment: The variant is not observed in the gnomAD v4.1.0 dataset. Predicted Consequence/Location: Intron variant In silico tools predict the variant to alter splicing and produce an abnormal transcript [SpliceAI: 0.78 (>=0.2, moderate evidence for spliceogenicity)]. The variant has been reported at least twice as pathogenic with clinical assertions and evidence for the classification (ClinVar ID: VCV000231081 /PMID: 30308447). Therefore, this variant is classified as Likely pathogenic according to the recommendation of ACMG/AMP guideline.

Labcorp Genetics (formerly Invitae), Labcorp
Classification: Pathogenic for Neurofibromatosis, type 1. Last evaluated: 2025-03-03. Review status: criteria provided, single submitter. Criteria: Invitae Variant Classification Sherloc (09022015). Collection method: clinical testing. Allele origin: germline.
Comment: This sequence change falls in intron 19 of the NF1 gene. It does not directly change the encoded amino acid sequence of the NF1 protein. RNA analysis indicates that this variant induces altered splicing and likely results in a shortened protein product. This variant is not present in population databases (gnomAD no frequency). This variant has been observed in individual(s) with neurofibromatosis type I (PMID: 30308447, 32126153; internal data). ClinVar contains an entry for this variant (Variation ID: 231081). Variants that disrupt the consensus splice site are a relatively common cause of aberrant splicing (PMID: 17576681, 9536098). Studies have shown that this variant results in skipping of skipping of exon 20, but is expected to preserve the integrity of the reading-frame (PMID: 32126153). For these reasons, this variant has been classified as Pathogenic.

Blueprint Genetics
Classification: Pathogenic for NF1-related disorders. Last evaluated: 2024-02-20. Review status: criteria provided, single submitter. Criteria: ACMG Guidelines, 2015. Collection method: clinical testing. Allele origin: germline. Affected: yes. Observed: 1 variant allele.

GeneDx
Classification: Likely pathogenic. Last evaluated: 2022-06-25. Review status: criteria provided, single submitter. Criteria: GeneDx Variant Classification Process June 2021. Collection method: clinical testing. Allele origin: germline. Affected: yes.
Comment: In silico analysis supports a deleterious effect on splicing and published cDNA sequencing showed in-frame skipping of exon 20 (Wimmer 2020); Not observed at significant frequency in large population cohorts (gnomAD); This variant is associated with the following publications: (PMID: 31766501, 32126153, 30308447)

Genetics and Molecular Pathology, SA Pathology
Classification: Pathogenic for Neurofibromatosis, type 1. Last evaluated: 2022-05-04. Review status: criteria provided, single submitter. Criteria: ACMG Guidelines, 2015. Collection method: clinical testing. Allele origin: germline. Affected: yes.

Institute of Human Genetics, Medical University Innsbruck
Classification: Pathogenic for Neurofibromatosis, type 1. Last evaluated: 2020-01-20. Review status: criteria provided, single submitter. Criteria: ACMG Guidelines, 2015. Collection method: clinical testing. Allele origin: germline. Affected: yes.

UAB Medical Genomics Laboratory, UAB Medicine
Classification: Pathogenic for Neurofibromatosis, type 1. Last evaluated: 2020-01-20. Review status: criteria provided, single submitter. Criteria: ACMG Guidelines, 2015. Collection method: clinical testing. Allele origin: germline. Affected: yes.

Literature cited by the submitters: PubMed 36612057 (cited by Ambry Genetics); PubMed 30308447 (cited by 3billion and Labcorp Genetics (formerly Invitae), Labcorp); PubMed 32126153 (cited by Labcorp Genetics (formerly Invitae), Labcorp and UAB Medical Genomics Laboratory, UAB Medicine); PubMed 17576681 (cited by Labcorp Genetics (formerly Invitae), Labcorp); PubMed 9536098 (cited by Labcorp Genetics (formerly Invitae), Labcorp); DOI 10.1002/humu.24005 (cited by Institute of Human Genetics, Medical University Innsbruck).

NM_001042492.3(NF1):c.2326-3T>G

Gene: NF1 (neurofibromin 1; plus strand). Cytogenetic location: 17q11.2.
Variant type: single nucleotide variant.
Coding change: c.2326-3T>G on transcript NM_001042492.3 (MANE Select); 3 bases into the intron before coding-DNA position 2326, T replaced by G.
Molecular consequence: intron variant.
Genome position (GRCh38, 1-based): chr17:31,227,520, T>G. VCF-style: chr17-31227520-T-G. GRCh37 (hg19) VCF-style: chr17-29554538-T-G.
Other names: c.2326-3T>G (NM_000267.4).
Identifiers: ClinVar variation 231081 (VCV000231081.20), dbSNP rs876658946, ClinGen allele CA10580249.